The following is an entry in ClinVar:

NM_022367.4(SEMA4A):c.918C>A (p.His306Gln)

Gene: SEMA4A (semaphorin 4A; plus strand). Cytogenetic location: 1q22.
Variant type: single nucleotide variant.
Coding change: c.918C>A on transcript NM_022367.4 (MANE Select); coding-DNA position 918, C replaced by A.
Protein change: p.His306Gln; replaces histidine 306 with glutamine.
Molecular consequence: missense variant.
Genome position (GRCh38, 1-based): chr1:156,161,453, C>A. VCF-style: chr1-156161453-C-A. GRCh37 (hg19) VCF-style: chr1-156131244-C-A.
Other names: c.918C>A, p.His306Gln (NM_001193300.2, NM_001193301.2, NM_001370567.1); c.522C>A, p.His174Gln (NM_001193302.2); c.621C>A, p.His207Gln (NM_001370568.1); c.411C>A, p.His137Gln (NM_001370569.1, NM_001370571.1); short protein forms H207Q, H137Q, H306Q, H174Q.
Identifiers: ClinVar variation 2059178 (VCV002059178.4), dbSNP rs761293482, ClinGen allele CA342839442.

ClinVar aggregate classification (germline): Uncertain significance (1 of 4 stars; one submission).

Submission:

Labcorp Genetics (formerly Invitae), Labcorp
Classification: Uncertain significance. Last evaluated: 2024-02-20. Review status: criteria provided, single submitter. Criteria: Invitae Variant Classification Sherloc (09022015). Collection method: clinical testing. Allele origin: germline.
Comment: This sequence change replaces histidine, which is basic and polar, with glutamine, which is neutral and polar, at codon 306 of the SEMA4A protein (p.His306Gln). This variant is not present in population databases (gnomAD no frequency). This variant has not been reported in the literature in individuals affected with SEMA4A-related conditions. ClinVar contains an entry for this variant (Variation ID: 2059178). Advanced modeling of protein sequence and biophysical properties (such as structural, functional, and spatial information, amino acid conservation, physicochemical variation, residue mobility, and thermodynamic stability) performed at Invitae indicates that this missense variant is not expected to disrupt SEMA4A protein function with a negative predictive value of 80%. In summary, the available evidence is currently insufficient to determine the role of this variant in disease. Therefore, it has been classified as a Variant of Uncertain Significance.